The following is an entry in ClinVar:

GRCh37/hg19 7q21.3(chr7:96264152-96860892)x1

Genes: DLX5 (distal-less homeobox 5; minus strand), DLX6 (distal-less homeobox 6; plus strand), SDHAF3 (succinate dehydrogenase complex assembly factor 3; plus strand), SEM1 (SEM1 26S proteasome subunit; minus strand). Cytogenetic location: 7q21.3.
Variant type: copy number loss.
Change: copy number 1 (one copy instead of two) of chr7:96,264,152-96,860,892 (596.7 kb, GRCh37 coordinates, 1-based), cytogenetic band 7q21.3.
Identifiers: ClinVar variation 1807807 (VCV001807807.1).

ClinVar aggregate classification (germline): Pathogenic (1 of 4 stars; one submission).

Submission:

Quest Diagnostics Nichols Institute San Juan Capistrano
Classification: Pathogenic. Last evaluated: 2021-11-12. Review status: criteria provided, single submitter. Criteria: ACMG/ClinGen CNV Guidelines, 2019. Collection method: clinical testing. Allele origin: unknown.
Comment: The copy number loss of 7q21.3 involves multiple protein-coding genes and is expected to cause phenotypic and/or developmental abnormalities. It includes DLX5 (OMIM 600028), DLX6 (OMIM 600030), and SEM1 (previously known as DSS1) (OMIM 601285). Deletions, duplications, and other rearrangements of 7q21.3 overlapping this region, as well as loss-of-function sequence variants of DLX5, have been associated with autosomal dominant split-hand/foot malformation-1 (SHFM1, OMIM 183600). Some patients with SHFM1 also have intellectual disability, ectodermal and craniofacial findings, orofacial clefting, and sensorineural hearing loss (Flottmann 2017, Wieland 2004, Rai 2019, Sivasankaran 2016, Ullah 2016, Velinov 2014, Sowinska-Seidler 2014, Shamseldin 2012, Wang 2014, Vera-Carbonell 2012, Silfhout 2009, Elliott 2006). Additionally, there is a report of a heterozygous missense variant in DLX6 identified in a patient with SHFM1 (Ullah 2017). Furthermore, evidence shows that nearby regulatory elements within exons 15 and 17 of DYNC1I1 (OMIM 603772) (not encompassed in the current interval) act as tissue-specific limb enhancers of DLX5 and DLX6, and that the SHFM1 phenotype is most likely due to the simultaneous disruption of DLX5 and DLX6 (Delgado 2015, Tayebi 2014, Iacono 2008, Robledo 2002, Allen 2014, Li 2020). Lastly, SEM1, DLX5, and DLX6 have been found to be maternally imprinted in osteoblasts, which suggests that SHFM1 may be caused by the loss of paternal expression of these genes (Rattanasopha 2014, Wieland 2004). References: Allen et al., J Med Genet. 2014 Apr;51(4):264-7. PMID: 24459211. Delgado et al., Mol Cytogenet. 2015 Jun 13;8:37. PMID: 26075025. Elliott et al., Am J Med Genet A. 2006 Jul 1;140(13):1419-27. PMID: 16688749. Flottmann et al., Genet Med. 2018 Jun;20(6):599-607. PMID: 29236091. Hu et al., J Neurodev Disord. 2015;7(1):26. PMID: 26257835. Huang et al. Neuron. 2017 Jun 21; 94(6):1101-1111.e7. PMID: 28641109. Iacono et al., Development. 2008 Apr;135(7):1377-88. PMID: 18326838. Kashevarova, et al., Mol Cytogenet 2014 Dec 31; 7(1):97 PMID: 25606055. Li et al., Zhonghua Yi Xue Yi Chuan Xue Za Zhi. 2020 Apr 10;37(4):462-466. PMID: 32219838. Mercati et al., Mol Psychiatry. 2017 Apr;22(4):625-633. PMID: 27166760. Oguro-Ando et al. Mol Cell Neurosci. 2017 Jan 5. pii: S1044-7431(16)30291-3. PMID: 28064060. Rai et al., Eur J Med Genet. 2019 Dec;62(12):103597. PMID: 30543991. Rattanasopha et al., J Med Genet. 2014 Dec;51(12):817-23. PMID: 25332435. Robledo et al., Genes Dev. 2002 May 1;16(9):1089-101. PMID: 12000792. Shamseldin et al., J Med Genet. 2012 Jan;49(1):16-20. PMID: 22121204. Silfhout et al., Eur J Hum Genet. 2009 Nov;17(11):1432-8. PMID: 19401716. Sivasankaran et al., Mol Syndromol. 2016 Feb;6(6):287-96. PMID: 27022330. Sowinska-Seidler et al., Birth Defects Res A Clin Mol Teratol. 2014 Oct;100(10):764-71. PMID: 25196357. Tayebi et al., Orphanet J Rare Dis. 2014 Jul 29;9:108. PMID: 25231166. Ullah et al., Pediatr Int. 2016 Dec;58(12):1348-1350. PMID: 27085093. Ullah et al., Mol Syndromol. 2017 Mar;8(2):79-84. PMID: 28611547. Velinov et al., Am J Med Genet A. 2012 Dec;158A(12):3201-6. PMID: 23169702. Vera-Carbonell et al., Gene. 2012 Apr 15;497(2):292-7. PMID: 22342398. Wang et al., Eur J Hum Genet. 2014 Sep;22(9):1105-10. PMID: 24496061. Wieland et al., J Med Genet. 2004 May;41(5):e54. PMID: 15121782.